The following is an entry in ClinVar:

ClinVar aggregate classification (germline): Conflicting classifications of pathogenicity. Review status: criteria provided, conflicting classifications (1 of 4 stars). 2 submissions from 2 submitters: Uncertain significance (1); Likely benign (1). Last evaluated 2023-03-23.

Conditions:
Hereditary cancer-predisposing syndrome. Also called: Tumor predisposition; Hereditary neoplastic syndrome; Neoplastic Syndromes, Hereditary; Hereditary Cancer Syndrome. Identifiers: Orphanet 140162, MedGen C0027672, MeSH D009386, MONDO:0015356.
Hereditary breast ovarian cancer syndrome. Also called: BRCA1- and BRCA2-Associated Hereditary Breast and Ovarian Cancer; Hereditary breast and ovarian cancer; Hereditary breast and/or ovarian cancer syndrome; Hereditary breast and ovarian cancer syndrome; Hereditary breast and ovarian cancer syndrome (HBOC); Breast and ovarian cancer. Identifiers: Orphanet 145, MedGen C0677776, MeSH D061325, MONDO:0003582. Disease mechanism: loss of function.

Submissions (2):

University of Washington Department of Laboratory Medicine, University of Washington
Classification: Likely benign for Hereditary cancer-predisposing syndrome. Last evaluated: 2023-03-23. Review status: criteria provided, single submitter. Criteria: Dines et al. (Genet Med. 2020). Collection method: curation. Allele origin: germline.
Comment: Missense variant in a coldspot region where missense variants are very unlikely to be pathogenic (PMID:31911673).

BRCA2 exon 11 coldspot. Reclassification based on statistical prior probability.

Labcorp Genetics (formerly Invitae), Labcorp
Classification: Uncertain significance for Hereditary breast ovarian cancer syndrome. Last evaluated: 2022-07-12. Review status: criteria provided, single submitter. Criteria: Invitae Variant Classification Sherloc (09022015). Collection method: clinical testing. Allele origin: germline.
Comment: In summary, the available evidence is currently insufficient to determine the role of this variant in disease. Therefore, it has been classified as a Variant of Uncertain Significance. This sequence change replaces leucine, which is neutral and non-polar, with serine, which is neutral and polar, at codon 1616 of the BRCA2 protein (p.Leu1616Ser). This variant is not present in population databases (gnomAD no frequency). This variant has not been reported in the literature in individuals affected with BRCA2-related conditions. ClinVar contains an entry for this variant (Variation ID: 1356927). Advanced modeling of protein sequence and biophysical properties (such as structural, functional, and spatial information, amino acid conservation, physicochemical variation, residue mobility, and thermodynamic stability) performed at Invitae indicates that this missense variant is not expected to disrupt BRCA2 protein function.

NM_000059.4(BRCA2):c.4847T>C (p.Leu1616Ser)

Gene: BRCA2 (BRCA2 DNA repair associated; plus strand). Cytogenetic location: 13q13.1.
Variant type: single nucleotide variant.
Coding change: c.4847T>C on transcript NM_000059.4 (MANE Select); coding-DNA position 4847, T replaced by C.
Protein change: p.Leu1616Ser; replaces leucine 1616 with serine.
Molecular consequence: missense variant.
Genome position (GRCh38, 1-based): chr13:32,339,202, T>C. VCF-style: chr13-32339202-T-C. GRCh37 (hg19) VCF-style: chr13-32913339-T-C.
Other names: short protein forms L1616S.
Identifiers: ClinVar variation 1356927 (VCV001356927.9), dbSNP rs398122786, ClinGen allele CA387783374.